The following is an entry in ClinVar:

ClinVar aggregate classification (germline): Benign. Review status: criteria provided, multiple submitters, no conflicts (2 of 4 stars). 8 submissions from 8 submitters: Benign (8). Last evaluated 2026-02-04.

Conditions:
Xanthinuria type II. Also called: Xanthine dehydrogenase and aldehyde oxidase combined deficiency of; XDH and AOX dual deficiency. Identifiers: Orphanet 3467, Orphanet 93602, MedGen C1863688, MONDO:0011346, OMIM 603592.
Hereditary xanthinuria type 1 (XAN1). Identifiers: Orphanet 3467, Orphanet 93601, MedGen C0268118, MONDO:0010209, OMIM 278300.

Allele frequency attached by ClinVar (database versions not stated): gnomAD exomes 0.77214 and 0.78317; ESP Exome Variant Server 0.77295; gnomAD 0.77423 and 0.77620; TOPMed 0.77827; ExAC 0.78635; 1000 Genomes Project 30x 0.79825; 1000 Genomes Project 0.79992.
gnomAD v4.1: 1,245,912 of 1,612,262 alleles (77%); highest among the groups gnomAD compares: East Asian, 86%; 482,176 homozygotes.

Submissions (8):

Labcorp Genetics (formerly Invitae), Labcorp
Classification: Benign for Xanthinuria type II. Last evaluated: 2026-02-04. Review status: criteria provided, single submitter. Criteria: Invitae Variant Classification Sherloc (09022015). Collection method: clinical testing. Allele origin: germline.

Blueprint Genetics
Classification: Benign. Last evaluated: 2024-11-26. Review status: criteria provided, single submitter. Criteria: ACMG Guidelines, 2015. Collection method: clinical testing. Allele origin: germline.

Mayo Clinic Laboratories, Mayo Clinic
Classification: Benign. Last evaluated: 2022-03-09. Review status: criteria provided, single submitter. Criteria: ACMG Guidelines, 2015. Collection method: clinical testing. Allele origin: germline. Observed: 169 variant alleles.

Genome-Nilou Lab
Classification: Benign for Hereditary xanthinuria type 1. Last evaluated: 2021-12-05. Review status: criteria provided, single submitter. Criteria: ACMG Guidelines, 2015. Collection method: clinical testing. Allele origin: germline. Affected: no.

GeneDx
Classification: Benign. Last evaluated: 2018-11-13. Review status: criteria provided, single submitter. Criteria: GeneDx Variant Classification Process June 2021. Collection method: clinical testing. Allele origin: germline. Affected: yes.

Illumina Laboratory Services, Illumina
Classification: Benign for Hereditary xanthinuria type 1. Last evaluated: 2018-01-13. Review status: criteria provided, single submitter. Criteria: ICSL Variant Classification Criteria 13 December 2019. Collection method: clinical testing. Allele origin: germline.
Comment: This variant was observed in the ICSL laboratory as part of a predisposition screen in an ostensibly healthy population. It had not been previously curated by ICSL or reported in the Human Gene Mutation Database (HGMD: prior to June 1st, 2018), and was therefore a candidate for classification through an automated scoring system. Utilizing variant allele frequency, disease prevalence and penetrance estimates, and inheritance mode, an automated score was calculated to assess if this variant is too frequent to cause the disease. Based on the score and internal cut-off values, a variant classified as benign is not then subjected to further curation. The score for this variant resulted in a classification of benign for this disease.

Breakthrough Genomics
Classification: Benign. Review status: criteria provided, single submitter. Criteria: ACMG Guidelines, 2015. Collection method: not provided. Allele origin: germline. Inheritance: Autosomal recessive inheritance. Affected: yes.

PreventionGenetics, part of Exact Sciences
Classification: Benign. Review status: criteria provided, single submitter. Criteria: ACMG Guidelines, 2015. Collection method: clinical testing. Allele origin: germline.

NM_000379.4(XDH):c.3030T>C (p.Phe1010=)

Gene: XDH (xanthine dehydrogenase; minus strand). Cytogenetic location: 2p23.1.
Variant type: single nucleotide variant.
Coding change: c.3030T>C on transcript NM_000379.4 (MANE Select); coding-DNA position 3030, T replaced by C.
Protein change: p.Phe1010=; no amino-acid change (phenylalanine 1010 retained).
Molecular consequence: synonymous variant.
Genome position (GRCh38, 1-based): chr2:31,348,920, A>G on the plus strand (T>C on the coding strand, the complement: XDH is on the minus strand). VCF-style: chr2-31348920-A-G. GRCh37 (hg19) VCF-style: chr2-31571786-A-G.
Other names: p.Phe1010=.
Identifiers: ClinVar variation 255968 (VCV000255968.19), dbSNP rs1884725, ClinGen allele CA1598591.
Genomic context (GRCh38, chr2:31,348,920, plus strand): 5'-AGTCCAGCGGAGATGGACACAATTCTATAAAGCAATTACCTGATTCAGAAAAGGAACTGT[A>G]AAGCTTATTCCAAACTTGGTGGGAATTATGCACAATCCTCTCTTTTTCCAACAATTCTCC-3'
Protein context (NP_000370.2, residues 1000-1020): CIIPTKFGIS[Phe1010=]TVPFLNQAGA